The following is an entry in ClinVar:

ClinVar aggregate classification (germline): Conflicting classifications of pathogenicity. Review status: criteria provided, conflicting classifications (1 of 4 stars). 9 submissions from 9 submitters: Uncertain significance (1); Benign (1); Likely benign (5). 2 of the submissions do not count toward it. Last evaluated 2026-02-01.

Conditions:
Inborn genetic diseases. Identifiers: MedGen C0950123, MeSH D030342.
CHCHD10-related disorder. Also called: CHCHD10-Related Disorders; CHCHD10-related condition. Identifiers: MedGen CN381526.
Autosomal dominant mitochondrial myopathy with exercise intolerance (IMMD). Also called: Myopathy, isolated mitochondrial, autosomal dominant. Identifiers: Orphanet 457050, MedGen C4015513, MONDO:0014532, OMIM 616209.
Frontotemporal dementia and/or amyotrophic lateral sclerosis 2. Also called: FTDALS2. Identifiers: Orphanet 275872, MedGen C4014648, MONDO:0014395, OMIM 615911.
Lower motor neuron syndrome with late-adult onset (SMAJ). Also called: Spinal muscular atrophy, Jokela type; Late-Onset Spinal Motor Neuronopathy (SMAJ). Identifiers: Orphanet 276435, MedGen C3554398, MONDO:0014025, OMIM 615048.
Amyotrophic lateral sclerosis (ALS). Also called: Charcot disease; Lou Gehrig disease. Identifiers: Orphanet 803, MedGen C0002736, MONDO:0004976, HP:0007354.

Allele frequency attached by ClinVar (database versions not stated): gnomAD 0.00023 and 0.00016; gnomAD exomes 0.00032 and 0.00024; TOPMed 0.00024; ExAC 0.00035.
gnomAD v4.1: 424 of 1,608,752 alleles (0.026%); highest among the groups gnomAD compares: Middle Eastern, 0.69%; 3 homozygotes.

Submissions (9):

Labcorp Genetics (formerly Invitae), Labcorp
Classification: Likely benign for Lower motor neuron syndrome with late-adult onset; Frontotemporal dementia and/or amyotrophic lateral sclerosis 2; Autosomal dominant mitochondrial myopathy with exercise intolerance. Last evaluated: 2026-02-01. Review status: criteria provided, single submitter. Criteria: Invitae Variant Classification Sherloc (09022015). Collection method: clinical testing. Allele origin: germline.

Mayo Clinic Laboratories, Mayo Clinic
Classification: Likely benign. Last evaluated: 2025-11-02. Review status: criteria provided, single submitter. Criteria: ACMG Guidelines, 2015. Collection method: clinical testing. Allele origin: germline. Observed: 3 variant alleles.
Comment: BS1, BS2, BP4, BP5

CeGaT Center for Human Genetics Tuebingen
Classification: Likely benign. Last evaluated: 2025-07-01. Review status: criteria provided, single submitter. Criteria: CeGaT Center For Human Genetics Tuebingen Variant Classification Criteria Version 2. Collection method: clinical testing. Allele origin: germline. Affected: yes. Observed: 7 variant alleles.
Comment: CHCHD10: BP4, BS1

Blueprint Genetics
Classification: Likely benign. Last evaluated: 2024-11-28. Review status: criteria provided, single submitter. Criteria: ACMG Guidelines, 2015. Collection method: clinical testing. Allele origin: germline.

Ambry Genetics
Classification: Likely benign for Inborn genetic diseases. Last evaluated: 2023-01-10. Review status: criteria provided, single submitter. Criteria: Ambry Variant Classification Scheme 2023. Collection method: clinical testing. Allele origin: germline.

Molecular Genetics, Royal Melbourne Hospital
Classification: Uncertain significance for Amyotrophic lateral sclerosis. Last evaluated: 2022-04-05. Review status: criteria provided, single submitter. Criteria: ACMG Guidelines, 2015. Collection method: clinical testing. Allele origin: germline.
Comment: This sequence change is predicted to replace proline with leucine at codon 80 of the CHCHD10 protein, p.(Pro80Leu). The proline residue is highly conserved (100 vertebrates, UCSC), and is not located in a known functional domain. There is a moderate physicochemical difference between proline and leucine. The variant is present in a large population cohort at a frequency of 0.03% (rs775332895, 76/268,368 alleles, 0 homozygotes in gnomAD v2.1), with a frequency of 0.3% in the Ashkenazi Jewish population (33/10,032 alleles in gnomAD v2.1). It has been reported as benign, likely benign, a variant of uncertain significance, and pathogenic (ClinVar ID: 204292). The variant has been identified in sporadic and familial amyotrophic lateral sclerosis cases (PMID: 25576308, 30014597, 31690696). It abrogates protein function in the nucleus and mitochondria, reducing respiration and increasing reactive oxygen species in an in vitro functional assay (PMID: 29540477). Multiple lines of computational evidence have conflicting predictions for the missense substitution (3/6 algorithms predict deleterious). Based on the classification scheme RMH Modified ACMG Guidelines v1.3.2, this variant is classified as a VARIANT OF UNCERTAIN SIGNIFICANCE. Following criteria are met: PS3_Supporting.

Mendelics
Classification: Benign for Lower motor neuron syndrome with late-adult onset. Last evaluated: 2019-05-28. Review status: criteria provided, single submitter. Criteria: Mendelics Assertion Criteria 2017. Collection method: clinical testing. Allele origin: unknown.

PreventionGenetics, part of Exact Sciences
Classification: Likely benign for CHCHD10-related condition. Last evaluated: 2020-11-02. Review status: no assertion criteria provided. Collection method: clinical testing. Allele origin: germline. Not counted in ClinVar's aggregate classification.
Comment: This variant is classified as likely benign based on ACMG/AMP sequence variant interpretation guidelines (Richards et al. 2015 PMID: 25741868, with internal and published modifications).

GeneReviews
No classification provided. Condition: Frontotemporal dementia and/or amyotrophic lateral sclerosis 2. Review status: no classification provided. Collection method: literature only. Allele origin: germline. Affected: yes. Not counted in ClinVar's aggregate classification.

Literature cited by the submitters: PubMed 25576308 (cited by 3 submitters); PubMed 25833818 (cited by Mayo Clinic Laboratories, Mayo Clinic); PubMed 28069311 (cited by Mayo Clinic Laboratories, Mayo Clinic); PubMed 29540477 (cited by Mayo Clinic Laboratories, Mayo Clinic and Molecular Genetics, Royal Melbourne Hospital); PubMed 29789341 (cited by Mayo Clinic Laboratories, Mayo Clinic); PubMed 30014597 (cited by Mayo Clinic Laboratories, Mayo Clinic and Molecular Genetics, Royal Melbourne Hospital); PubMed 31690696 (cited by Mayo Clinic Laboratories, Mayo Clinic and Molecular Genetics, Royal Melbourne Hospital); PubMed 32409511 (cited by Mayo Clinic Laboratories, Mayo Clinic); PubMed 33208543 (cited by Mayo Clinic Laboratories, Mayo Clinic); PubMed 35896380 (cited by Mayo Clinic Laboratories, Mayo Clinic); PubMed 39260590 (cited by Mayo Clinic Laboratories, Mayo Clinic); NCBI Bookshelf NBK304142 (cited by GeneReviews).

NM_213720.3(CHCHD10):c.239C>T (p.Pro80Leu)

Gene: CHCHD10 (coiled-coil-helix-coiled-coil-helix domain containing 10; minus strand). Cytogenetic location: 22q11.23.
Variant type: single nucleotide variant.
Coding change: c.239C>T on transcript NM_213720.3 (MANE Select); coding-DNA position 239, C replaced by T.
Protein change: p.Pro80Leu; replaces proline 80 with leucine.
Molecular consequence: missense variant. On other transcripts: non-coding transcript variant (1).
Genome position (GRCh38, 1-based): chr22:23,767,396, G>A on the plus strand (C>T on the coding strand, the complement: CHCHD10 is on the minus strand). VCF-style: chr22-23767396-G-A. GRCh37 (hg19) VCF-style: chr22-24109583-G-A.
Other names: c.239C>T (NM_213720.1); c.239C>T, p.Pro80Leu (NM_001301339.2); short protein forms P80L.
Identifiers: ClinVar variation 204292 (VCV000204292.57), dbSNP rs775332895, ClinGen allele CA347297.
Genomic context (GRCh38, chr22:23,767,396, plus strand): 5'-ATAATCCTGCCTCAGTTTCTCTTGGACTCGCTGCTCACCTGCTGGACAGCAGGCTGGGAG[G>A]GCTCCGAGCTCCCCCCGCTGAAGGCTCCGGTCAGGGCGCTGCCCATGACGTGTCCCACAG-3'
Protein context (NP_998885.1, residues 70-90): TGAFSGGSSE[Pro80Leu]SQPAVQQAPT